The following is an entry in ClinVar:

ClinVar aggregate classification (germline): Uncertain significance (1 of 4 stars; one submission).

Allele frequency attached by ClinVar (database versions not stated): gnomAD 0.00001; TOPMed 0.00003.
gnomAD v4.1: 1 of 1,607,714 alleles (0.000062%); highest among the groups gnomAD compares: Admixed American, 0.0017%; no homozygotes.

Submission:

GeneDx
Classification: Uncertain significance. Last evaluated: 2019-07-12. Review status: criteria provided, single submitter. Criteria: GeneDx Variant Classification Process June 2021. Collection method: clinical testing. Allele origin: germline. Affected: yes.
Comment: Not observed in large population cohorts (Lek et al., 2016); In silico analysis, which includes protein predictors and evolutionary conservation, supports that this variant does not alter protein structure/function; Has not been previously published as pathogenic or benign to our knowledge

NM_017433.5(MYO3A):c.4294A>G (p.Ile1432Val)

Gene: MYO3A (myosin IIIA; plus strand). Cytogenetic location: 10p12.1.
Variant type: single nucleotide variant.
Coding change: c.4294A>G on transcript NM_017433.5 (MANE Select); coding-DNA position 4294, A replaced by G.
Protein change: p.Ile1432Val; replaces isoleucine 1432 with valine.
Molecular consequence: missense variant.
Genome position (GRCh38, 1-based): chr10:26,176,701, A>G. VCF-style: chr10-26176701-A-G. GRCh37 (hg19) VCF-style: chr10-26465630-A-G.
Other names: short protein forms I1432V.
Identifiers: ClinVar variation 1306960 (VCV001306960.2), dbSNP rs1842352805, ClinGen allele CA376342004.